The following is an entry in ClinVar:

ClinVar aggregate classification (germline): Benign/Likely benign. Review status: criteria provided, multiple submitters, no conflicts (2 of 4 stars). 4 submissions from 4 submitters: Benign (1); Likely benign (2). 1 of the submissions does not count toward it. Last evaluated 2025-12-08.

Conditions:
APOA1-related disorder. Also called: APOA1-related condition.

Allele frequency attached by ClinVar (database versions not stated): gnomAD 0.00001 and 0.00003; gnomAD exomes 0.00003 and 0.00011; TOPMed 0.00004; ExAC 0.00008.
gnomAD v4.1: 59 of 1,613,160 alleles (0.0037%); highest among the groups gnomAD compares: East Asian, 0.089%; no homozygotes.

Submissions (4):

Labcorp Genetics (formerly Invitae), Labcorp
Classification: Likely benign. Last evaluated: 2025-12-08. Review status: criteria provided, single submitter. Criteria: Invitae Variant Classification Sherloc (09022015). Collection method: clinical testing. Allele origin: germline.

Women's Health and Genetics/Laboratory Corporation of America, LabCorp
Classification: Benign. Last evaluated: 2023-09-11. Review status: criteria provided, single submitter. Criteria: LabCorp Variant Classification Summary - May 2015. Collection method: clinical testing. Allele origin: germline.

Blueprint Genetics
Classification: Likely benign. Last evaluated: 2023-08-29. Review status: criteria provided, single submitter. Criteria: ACMG Guidelines, 2015. Collection method: clinical testing. Allele origin: germline.

PreventionGenetics, part of Exact Sciences
Classification: Uncertain significance for APOA1-related condition. Last evaluated: 2024-06-24. Review status: no assertion criteria provided. Collection method: clinical testing. Allele origin: germline. Not counted in ClinVar's aggregate classification.
Comment: The APOA1 c.201-9A>G variant is predicted to interfere with splicing. To our knowledge, this variant has not been reported in the literature. This variant is reported in 0.14% of alleles in individuals of East Asian descent in gnomAD. Although we suspect that this variant may be benign, at this time, the clinical significance of this variant is uncertain due to the absence of conclusive functional and genetic evidence.

NM_000039.3(APOA1):c.201-9A>G

Genes: APOA1 (apolipoprotein A1; minus strand), APOA1-AS (APOA1 antisense RNA; plus strand). Cytogenetic location: 11q23.3.
Variant type: single nucleotide variant.
Coding change: c.201-9A>G on transcript NM_000039.3 (MANE Select); 9 bases into the intron before coding-DNA position 201, A replaced by G.
Molecular consequence: intron variant.
Genome position (GRCh38, 1-based): chr11:116,836,420, T>C on the plus strand (A>G on the coding strand, the complement: APOA1 is on the minus strand). VCF-style: chr11-116836420-T-C. GRCh37 (hg19) VCF-style: chr11-116707136-T-C.
Other names: c.-127-9A>G (NM_001425091.1, NM_001318021.2, NM_001425092.1); c.201-9A>G (NM_001425093.1, NM_001318018.2, NM_001318017.2 and 1 more transcripts).
Identifiers: ClinVar variation 1669259 (VCV001669259.10), dbSNP rs377207262, ClinGen allele CA6289847.
Genomic context (GRCh38, chr11:116,836,420, plus strand): 5'-CAGCTTGCTGAAGGTGGAGGTCACGCTGTCCCAGTTGTCAAGGAGCTTTAGGCTGGAGGG[T>C]GAGACAGAAGGGTTGAGGGCTGGCCTCCCAGCGCCCCAGCCTATCAGGGGTGAGCCCTGG-3'